The following is an entry in ClinVar:

ClinVar aggregate classification (germline): Conflicting classifications of pathogenicity. Review status: criteria provided, conflicting classifications (1 of 4 stars). 10 submissions from 10 submitters: Pathogenic (1); Likely pathogenic (5); Uncertain significance (4). Last evaluated 2026-06-29.

Conditions:
Familial intrahepatic cholestasis. Identifiers: Orphanet 284385, MedGen CN296401, MONDO:0017290.
Progressive familial intrahepatic cholestasis (PFIC). Also called: Progressive intrahepatic cholestasis; Progressive family intrahepatic cholestasis. Identifiers: Orphanet 172, MedGen C0268312, MONDO:0015762.
Progressive familial intrahepatic cholestasis type 2. Identifiers: Orphanet 79304, MedGen C3489789, MONDO:0011156, OMIM 601847.
Benign recurrent intrahepatic cholestasis type 2 (BRIC2). Also called: Recurrent familial intrahepatic cholestasis 2. Identifiers: Orphanet 65682, Orphanet 99961, MedGen C2608083, MONDO:0011559, OMIM 605479.
ABCB11-related disorder. Also called: ABCB11-related condition.

Allele frequency attached by ClinVar (database versions not stated): gnomAD exomes 0.00001 and 0.00002; ExAC 0.00003.
gnomAD v4.1: 14 of 1,612,100 alleles (0.00087%); highest among the groups gnomAD compares: South Asian, 0.0022%; no homozygotes.

Submissions (10):

PreventionGenetics, part of Exact Sciences
Classification: Uncertain significance for ABCB11-related condition. Last evaluated: 2026-06-29. Review status: criteria provided, single submitter. Criteria: ACMG Guidelines, 2015. Collection method: clinical testing. Allele origin: germline.
Comment: The ABCB11 c.154C>T variant is predicted to result in the amino acid substitution p.Arg52Trp. This variant was reported along with a second potentially causative variant in two individuals with familial progressive intrahepatic cholestasis (Francalanci et al. 2013. PubMed ID: 23437912; Chen et al. 2018. PubMed ID: 30366773). This variant is reported in 0.0029% of alleles in individuals of Latino descent in gnomAD. Although we suspect this variant may be pathogenic, at this time, the clinical significance of this variant is uncertain due to the absence of conclusive functional and genetic evidence.

Genomenon, Inc
Classification: Likely pathogenic for Familial intrahepatic cholestasis. Last evaluated: 2026-04-14. Review status: criteria provided, single submitter. Criteria: Genomenon Sequence Variant Interpretation Standards - Updated. Collection method: curation. Allele origin: germline. Affected: yes.
Comment: ABCB11 p.Arg52Trp (c.154C>T) is a missense variant that changes the amino acid at residue 52 from Arginine to Tryptophan. This variant has been observed in at least one proband with an ABCB11-related disorder (PMID:35780807;32087350;30366773;23437912). A de novo occurrence of this variant has been observed in at least one affected individual (PMID:23437912). It is absent or not present at a significant frequency in gnomAD. In silico models predict that this variant is possibly or probably damaging. In conclusion, we classify ABCB11 p.Arg52Trp (c.154C>T) as a likely pathogenic variant.

GeneDx
Classification: Uncertain significance. Last evaluated: 2025-06-25. Review status: criteria provided, single submitter. Criteria: GeneDx Variant Classification Process June 2021. Collection method: clinical testing. Allele origin: germline. Affected: yes.
Comment: In silico analysis supports that this missense variant has a deleterious effect on protein structure/function; In silico analysis is inconclusive as to whether the variant alters gene splicing. In the absence of RNA/functional studies, the actual effect of this sequence change is unknown.; Not observed at significant frequency in large population cohorts (gnomAD); This variant is associated with the following publications: (PMID: 26678486, 35780807, 23437912, 30366773)

Natera, Inc.
Classification: Likely pathogenic for Progressive familial intrahepatic cholestasis type 2. Last evaluated: 2025-06-24. Review status: criteria provided, single submitter. Criteria: Natera Variant Classification Schema (03/2026). Collection method: clinical testing. Allele origin: germline.
Comment: The c.154C>T variant in ABCB11 is a missense variant predicted to cause substitution of arginine to tryptophan at amino acid 52. This variant is rare in the general population with a frequency below the threshold expected for the associated phenotype(s). This variant has been observed in one or more individuals affected with the associated recessive disease, as either homozygous or compound heterozygous with a second variant (PMID: 35780807, 32087350, 23437912). This variant has been identified in one or more affected individuals with a phenotype highly consistent with the associated gene (PMID: 35780807). Computational prediction algorithms indicate this variant is likely to affect gene or protein function. Given the available evidence, this variant is classified as Likely Pathogenic.

Broad Center for Mendelian Genomics, Broad Institute of MIT and Harvard
Classification: Uncertain significance for Progressive familial intrahepatic cholestasis type 2. Last evaluated: 2025-02-04. Review status: criteria provided, single submitter. Criteria: ACMG Guidelines, 2015. Collection method: curation. Allele origin: germline. Inheritance: Autosomal recessive inheritance.
Comment: The p.Arg52Trp variant in ABCB11 has been reported in five individuals with BSEP deficiency (PMID: 23437912, 30366773, 35780807; PMID:10.33612:diss.133430251), and has been identified in 0.002% (2/90980) of South Asian chromosomes by the Genome Aggregation Database (gnomAD; dbSNP rs763526610). Although this variant has been seen in the general population in a heterozygous state, its frequency is low enough to be consistent with a recessive carrier frequency. This variant has also been reported in ClinVar (Variation ID: 594457) and has been interpreted as likely pathogenic by Invitae and as a variant of uncertain significance by Eurofins Ntd Llc (ga). Of the 5 affected individuals, 2 of those were homozygotes, which increases the likelihood that the p.Arg52Trp variant is pathogenic (PMID: 35780807). This variant was found to be de novo in one individual with confirmed paternity and maternity (PMID: 23437912). Computational prediction tools and conservation analyses suggest that this variant may impact the protein, though this information is not predictive enough to determine pathogenicity. In summary, while there is some suspicion for a pathogenic role, the clinical significance of this variant is uncertain. ACMG/AMP Criteria applied: PP3, PM2_supporting, PS2_supporting, PM3 (Richards 2015).

Fulgent Genetics
Classification: Likely pathogenic for Progressive familial intrahepatic cholestasis type 2; Benign recurrent intrahepatic cholestasis type 2. Last evaluated: 2024-06-05. Review status: criteria provided, single submitter. Criteria: ACMG Guidelines, 2015. Collection method: clinical testing. Allele origin: germline.

Women's Health and Genetics/Laboratory Corporation of America, LabCorp
Classification: Likely pathogenic for Progressive familial intrahepatic cholestasis. Last evaluated: 2024-05-02. Review status: criteria provided, single submitter. Criteria: LabCorp Variant Classification Summary - May 2015. Collection method: clinical testing. Allele origin: germline.
Comment: Variant summary: ABCB11 c.154C>T (p.Arg52Trp) results in a non-conservative amino acid change in the encoded protein sequence. Five of five in-silico tools predict a damaging effect of the variant on protein function. The variant allele was found at a frequency of 1.6e-05 in 248164 control chromosomes. c.154C>T has been reported in the literature in individuals affected with Familial Intrahepatic Cholestasis (e.g. Thompson_2022, Francalanci_2013, Chen_2019). These data indicate that the variant is likely to be associated with disease. To our knowledge, no experimental evidence demonstrating an impact on protein function has been reported. The following publications have been ascertained in the context of this evaluation (PMID: 30366773, 23437912, 35780807). ClinVar contains an entry for this variant (Variation ID: 594457). Based on the evidence outlined above, the variant was classified as likely pathogenic.

Labcorp Genetics (formerly Invitae), Labcorp
Classification: Likely pathogenic. Last evaluated: 2023-09-13. Review status: criteria provided, single submitter. Criteria: Invitae Variant Classification Sherloc (09022015). Collection method: clinical testing. Allele origin: germline.
Comment: In summary, the currently available evidence indicates that the variant is pathogenic, but additional data are needed to prove that conclusively. Therefore, this variant has been classified as Likely Pathogenic. Algorithms developed to predict the effect of sequence changes on RNA splicing suggest that this variant may disrupt the consensus splice site. Advanced modeling of protein sequence and biophysical properties (such as structural, functional, and spatial information, amino acid conservation, physicochemical variation, residue mobility, and thermodynamic stability) performed at Invitae indicates that this missense variant is expected to disrupt ABCB11 protein function. ClinVar contains an entry for this variant (Variation ID: 594457). This missense change has been observed in individuals with progressive familial intrahepatic cholestasis (PMID: 23437912, 30366773). This variant is present in population databases (rs763526610, gnomAD 0.003%). This sequence change replaces arginine, which is basic and polar, with tryptophan, which is neutral and slightly polar, at codon 52 of the ABCB11 protein (p.Arg52Trp).

Baylor Genetics
Classification: Pathogenic for Benign recurrent intrahepatic cholestasis type 2. Last evaluated: 2023-07-04. Review status: criteria provided, single submitter. Criteria: ACMG Guidelines, 2015. Collection method: clinical testing. Allele origin: unknown.

Eurofins Ntd Llc (ga)
Classification: Uncertain significance. Last evaluated: 2017-10-15. Review status: criteria provided, single submitter. Criteria: EGL Classification Definitions 2015. Collection method: clinical testing. Allele origin: germline. Observed: 2 variant alleles, 2 heterozygotes.

Literature cited by the submitters: PubMed 35780807 (cited by 3 submitters); PubMed 32087350 (cited by Genomenon, Inc and Natera, Inc.); PubMed 30366773 (cited by 3 submitters); PubMed 23437912 (cited by 4 submitters).

NM_003742.4(ABCB11):c.154C>T (p.Arg52Trp)

Gene: ABCB11 (ATP binding cassette subfamily B member 11; minus strand). Cytogenetic location: 2q31.1.
Variant type: single nucleotide variant.
Coding change: c.154C>T on transcript NM_003742.4 (MANE Select); coding-DNA position 154, C replaced by T.
Protein change: p.Arg52Trp; replaces arginine 52 with tryptophan.
Molecular consequence: missense variant.
Genome position (GRCh38, 1-based): chr2:169,013,507, G>A on the plus strand (C>T on the coding strand, the complement: ABCB11 is on the minus strand). VCF-style: chr2-169013507-G-A. GRCh37 (hg19) VCF-style: chr2-169870017-G-A.
Other names: NM_003742.4(ABCB11):c.154C>T; p.Arg52Trp; c.154C>T (NM_003742.2); c.154C>T, p.Arg52Trp (LRG_1199t1); short protein forms R52W.
Identifiers: ClinVar variation 594457 (VCV000594457.17), dbSNP rs763526610, ClinGen allele CA1951952.